The following is an entry in ClinVar:

ClinVar aggregate classification (germline): Likely benign (1 of 4 stars; one submission).

Allele frequency attached by ClinVar (database versions not stated): ESP Exome Variant Server 0.00038; gnomAD 0.00038; TOPMed 0.00041; ExAC 0.00071; gnomAD exomes 0.00081.
gnomAD v4.1: 937 of 1,209,815 alleles (0.077%); highest among the groups gnomAD compares: Non-Finnish European, 0.097%; no homozygotes.

Submission:

CeGaT Center for Human Genetics Tuebingen
Classification: Likely benign. Last evaluated: 2022-12-01. Review status: criteria provided, single submitter. Criteria: CeGaT Center For Human Genetics Tuebingen Variant Classification Criteria Version 2. Collection method: clinical testing. Allele origin: germline. Affected: yes. Observed: 1 variant allele.
Comment: GLUD2: BS2

NM_012084.4(GLUD2):c.257T>G (p.Val86Gly)

Gene: GLUD2 (glutamate dehydrogenase 2; plus strand). Cytogenetic location: Xq24.
Variant type: single nucleotide variant.
Coding change: c.257T>G on transcript NM_012084.4 (MANE Select); coding-DNA position 257, T replaced by G.
Protein change: p.Val86Gly; replaces valine 86 with glycine.
Molecular consequence: missense variant.
Genome position (GRCh38, 1-based): chrX:121,047,941, T>G. VCF-style: chrX-121047941-T-G. GRCh37 (hg19) VCF-style: chrX-120181795-T-G.
Other names: short protein forms V86G.
Identifiers: ClinVar variation 2661340 (VCV002661340.24), dbSNP rs146546109, ClinGen allele CA10506503.